The following is an entry in ClinVar:

ClinVar aggregate classification (germline): Uncertain significance (1 of 4 stars; one submission).

Conditions:
Hereditary cancer-predisposing syndrome. Also called: Neoplastic Syndromes, Hereditary; Tumor predisposition; Hereditary Cancer Syndrome; Hereditary neoplastic syndrome. Identifiers: Orphanet 140162, MedGen C0027672, MeSH D009386, MONDO:0015356.

Submission:

Ambry Genetics
Classification: Uncertain significance for Hereditary cancer-predisposing syndrome. Last evaluated: 2024-08-28. Review status: criteria provided, single submitter. Criteria: Ambry Variant Classification Scheme 2023. Collection method: clinical testing. Allele origin: germline.
Comment: The p.I1368V variant (also known as c.4102A>G), located in coding exon 23 of the PTCH1 gene, results from an A to G substitution at nucleotide position 4102. The isoleucine at codon 1368 is replaced by valine, an amino acid with highly similar properties. This amino acid position is conserved. In addition, the in silico prediction for this alteration is inconclusive. Based on the available evidence, the clinical significance of this variant remains unclear.

NM_000264.5(PTCH1):c.4102A>G (p.Ile1368Val)

Gene: PTCH1 (patched 1; minus strand). Cytogenetic location: 9q22.32.
Variant type: single nucleotide variant.
Coding change: c.4102A>G on transcript NM_000264.5 (MANE Select); coding-DNA position 4102, A replaced by G.
Protein change: p.Ile1368Val; replaces isoleucine 1368 with valine.
Molecular consequence: missense variant. On other transcripts: non-coding transcript variant (1).
Genome position (GRCh38, 1-based): chr9:95,447,154, T>C on the plus strand (A>G on the coding strand, the complement: PTCH1 is on the minus strand). VCF-style: chr9-95447154-T-C. GRCh37 (hg19) VCF-style: chr9-98209436-T-C.
Other names: c.3904A>G, p.Ile1302Val (NM_001083602.3); c.4099A>G, p.Ile1367Val (NM_001083603.3); c.3649A>G, p.Ile1217Val (NM_001083604.3, NM_001083605.3, NM_001083606.3 and 1 more transcripts); c.3946A>G, p.Ile1316Val (NM_001354918.2); short protein forms I1217V, I1367V, I1302V, I1316V, I1368V.
Identifiers: ClinVar variation 3427224 (VCV003427224.1).
Genomic context (GRCh38, chr9:95,447,154, plus strand): 5'-CAGGGACAGGCGGCGGGTGCACGGCGACAGTCACGGAGGCAGAAGCCGTCACAGTGGTGA[T>C]GGGCTGGCAGTAGCCGGGCACGGAGCTGCCCATGGCAGTGGACGCTGGGTTCCGAGGGTT-3'
Protein context (NP_000255.2, residues 1358-1378): GSSVPGYCQP[Ile1368Val]TTVTASASVT